The following is an entry in ClinVar:

ClinVar aggregate classification (germline): Likely pathogenic (1 of 4 stars; one submission).

Conditions:
Pelizaeus-Merzbacher disease. Also called: Pelizeaus-Merzbacher spectrum disorder; Sudanophilic leukodystrophy; Pelizaeus-Merzbacher spectrum disorder; Pelizaeus-Merzbacher Disease (PMD); LEUKODYSTROPHY, HYPOMYELINATING, 1. Identifiers: Orphanet 702, MedGen C0205711, MONDO:0010714, OMIM 312080, HP:0003269.

Submission:

Institute of Human Genetics, Clinical Exome/Genome Diagnostics Group, University Hospital Bonn
Classification: Likely pathogenic for Pelizaeus-Merzbacher disease. Last evaluated: 2024-09-20. Review status: criteria provided, single submitter. Criteria: ACMG Guidelines, 2015. Collection method: clinical testing. Allele origin: de novo. Inheritance: X-linked inheritance. Affected: yes. Observed: 1 heterozygote.
Comment: PS2, PM2_supp, PP3

NM_000533.5(PLP1):c.758C>G (p.Ser253Cys)

Genes: PLP1 (proteolipid protein 1; plus strand), RAB9B (RAB9B, member RAS oncogene family; minus strand). Cytogenetic location: Xq22.2.
Variant type: single nucleotide variant.
Coding change: c.758C>G on transcript NM_000533.5 (MANE Select); coding-DNA position 758, C replaced by G.
Protein change: p.Ser253Cys; replaces serine 253 with cysteine.
Molecular consequence: missense variant.
Genome position (GRCh38, 1-based): chrX:103,789,394, C>G. VCF-style: chrX-103789394-C-G. GRCh37 (hg19) VCF-style: chrX-103044323-C-G.
Other names: c.758C>G, p.Ser253Cys (NM_001128834.3); c.593C>G, p.Ser198Cys (NM_001305004.1); c.653C>G, p.Ser218Cys (NM_199478.3); short protein forms S198C, S218C, S253C.
Identifiers: ClinVar variation 3776752 (VCV003776752.1).